The following is an entry in ClinVar:

NM_005720.4(ARPC1B):c.1112T>G (p.Ile371Ser)

Gene: ARPC1B (actin related protein 2/3 complex subunit 1B; plus strand). Cytogenetic location: 7q22.1.
Variant type: single nucleotide variant.
Coding change: c.1112T>G on transcript NM_005720.4 (MANE Select); coding-DNA position 1112, T replaced by G.
Protein change: p.Ile371Ser; replaces isoleucine 371 with serine.
Molecular consequence: missense variant.
Genome position (GRCh38, 1-based): chr7:99,394,482, T>G. VCF-style: chr7-99394482-T-G. GRCh37 (hg19) VCF-style: chr7-98992105-T-G.
Other names: c.1112T>G (NM_005720.3); short protein forms I371S.
Identifiers: ClinVar variation 1511350 (VCV001511350.8), dbSNP rs544314676, ClinGen allele CA4364244.
Genomic context (GRCh38, chr7:99,394,482, plus strand): 5'-ACCAGCCTGTCCGTTCTGCCTCCCTGCAGAGCTTGGAGTCAGCCTTGAAGGACCTCAAGA[T>G]CAAATGACCTGTGAGGAATATGTTGCCTTCATCCTAGCTGCTGGGGAAGCGGGGAGAGGG-3'
Protein context (NP_005711.1, residues 361-372): SLESALKDLK[Ile371Ser]K

ClinVar aggregate classification (germline): Uncertain significance. Review status: criteria provided, multiple submitters, no conflicts (2 of 4 stars). 3 submissions from 3 submitters: Uncertain significance (3). Last evaluated 2025-08-13.

Conditions:
Inborn genetic diseases. Identifiers: MedGen C0950123, MeSH D030342.

Allele frequency attached by ClinVar (database versions not stated): gnomAD 0.00001; TOPMed 0.00002; gnomAD exomes 0.00004 and 0.00007; ExAC 0.00011.
gnomAD v4.1: 62 of 1,613,900 alleles (0.0038%); highest among the groups gnomAD compares: Non-Finnish European, 0.0051%; no homozygotes.

Submissions (3):

Ambry Genetics
Classification: Uncertain significance for Inborn genetic diseases. Last evaluated: 2025-08-13. Review status: criteria provided, single submitter. Criteria: Ambry Variant Classification Scheme 2023. Collection method: clinical testing. Allele origin: germline.

Blueprint Genetics
Classification: Uncertain significance. Last evaluated: 2024-02-09. Review status: criteria provided, single submitter. Criteria: ACMG Guidelines, 2015. Collection method: clinical testing. Allele origin: germline.

Labcorp Genetics (formerly Invitae), Labcorp
Classification: Uncertain significance. Last evaluated: 2021-08-24. Review status: criteria provided, single submitter. Criteria: Invitae Variant Classification Sherloc (09022015). Collection method: clinical testing. Allele origin: germline.
Comment: This sequence change replaces isoleucine with serine at codon 371 of the ARPC1B protein (p.Ile371Ser). The isoleucine residue is moderately conserved and there is a large physicochemical difference between isoleucine and serine. This variant is present in population databases (rs544314676, ExAC 0.02%). This variant has not been reported in the literature in individuals affected with ARPC1B-related conditions. Algorithms developed to predict the effect of missense changes on protein structure and function are either unavailable or do not agree on the potential impact of this missense change (SIFT: "Deleterious"; PolyPhen-2: "Probably Damaging"; Align-GVGD: "Class C0"). In summary, the available evidence is currently insufficient to determine the role of this variant in disease. Therefore, it has been classified as a Variant of Uncertain Significance.